The following is an entry in ClinVar:

ClinVar aggregate classification (germline): Uncertain significance. Review status: criteria provided, multiple submitters, no conflicts (2 of 4 stars). 2 submissions from 2 submitters: Uncertain significance (2). Last evaluated 2022-12-20.

Conditions:
Hereditary spastic paraplegia 7 (SPG7). Also called: Spastic paraplegia 7; Hereditary spastic paraplegia Paraplegin type; SPASTIC PARAPLEGIA 7, AUTOSOMAL RECESSIVE, WITH OR WITHOUT CEREBELLAR ATAXIA; Autosomal recessive spastic paraplegia type 7; SPG7-related neurologic disorder. Identifiers: Orphanet 99013, MedGen C1846564, MONDO:0011803, OMIM 607259.

Allele frequency attached by ClinVar (database versions not stated): TOPMed 0.00001; gnomAD 0.00002 and 0.00003; ExAC 0.00003; 1000 Genomes Project 30x 0.00016; 1000 Genomes Project 0.00020.

Submissions (2):

Labcorp Genetics (formerly Invitae), Labcorp
Classification: Uncertain significance for Hereditary spastic paraplegia 7. Last evaluated: 2022-12-20. Review status: criteria provided, single submitter. Criteria: Invitae Variant Classification Sherloc (09022015). Collection method: clinical testing. Allele origin: germline.
Comment: This sequence change replaces alanine, which is neutral and non-polar, with valine, which is neutral and non-polar, at codon 120 of the SPG7 protein (p.Ala120Val). This variant is present in population databases (rs530877336, gnomAD 0.007%). This variant has not been reported in the literature in individuals affected with SPG7-related conditions. ClinVar contains an entry for this variant (Variation ID: 1302182). Advanced modeling of protein sequence and biophysical properties (such as structural, functional, and spatial information, amino acid conservation, physicochemical variation, residue mobility, and thermodynamic stability) performed at Invitae indicates that this missense variant is not expected to disrupt SPG7 protein function. In summary, the available evidence is currently insufficient to determine the role of this variant in disease. Therefore, it has been classified as a Variant of Uncertain Significance.

GeneDx
Classification: Uncertain significance. Last evaluated: 2019-08-16. Review status: criteria provided, single submitter. Criteria: GeneDx Variant Classification Process June 2021. Collection method: clinical testing. Allele origin: germline. Affected: yes.
Comment: Has not been previously published as pathogenic or benign to our knowledge; In silico analysis, which includes protein predictors and evolutionary conservation, supports that this variant does not alter protein structure/function

NM_003119.4(SPG7):c.359C>T (p.Ala120Val)

Gene: SPG7 (SPG7 matrix AAA peptidase subunit, paraplegin; plus strand). Cytogenetic location: 16q24.3.
Variant type: single nucleotide variant.
Coding change: c.359C>T on transcript NM_003119.4 (MANE Select); coding-DNA position 359, C replaced by T.
Protein change: p.Ala120Val; replaces alanine 120 with valine.
Molecular consequence: missense variant.
Genome position (GRCh38, 1-based): chr16:89,513,020, C>T. VCF-style: chr16-89513020-C-T. GRCh37 (hg19) VCF-style: chr16-89579428-C-T.
Other names: c.359C>T, p.Ala120Val (NM_001363850.1, NM_199367.3); short protein forms A120V.
Identifiers: ClinVar variation 1302182 (VCV001302182.5), dbSNP rs530877336, ClinGen allele CA8243534.